The following is an entry in ClinVar:

NM_000391.4(TPP1):c.1340G>T (p.Arg447Leu)

Gene: TPP1 (tripeptidyl peptidase 1; minus strand). Cytogenetic location: 11p15.4.
Variant type: single nucleotide variant.
Coding change: c.1340G>T on transcript NM_000391.4 (MANE Select); coding-DNA position 1340, G replaced by T.
Protein change: p.Arg447Leu; replaces arginine 447 with leucine.
Molecular consequence: missense variant.
Genome position (GRCh38, 1-based): chr11:6,615,256, C>A on the plus strand (G>T on the coding strand, the complement: TPP1 is on the minus strand). VCF-style: chr11-6615256-C-A. GRCh37 (hg19) VCF-style: chr11-6636487-C-A.
Other names: short protein forms R447L.
Identifiers: ClinVar variation 4853772 (VCV004853772.1).

ClinVar aggregate classification (germline): Uncertain significance (1 of 4 stars; one submission).

Submission:

Women's Health and Genetics/Laboratory Corporation of America, LabCorp
Classification: Uncertain significance. Last evaluated: 2026-05-20. Review status: criteria provided, single submitter. Criteria: LabCorp Variant Classification Summary - May 2015. Collection method: clinical testing. Allele origin: germline.
Comment: Variant summary: TPP1 c.1340G>T (p.Arg447Leu) results in a non-conservative amino acid change in the encoded protein sequence. Algorithms developed to predict the effect of missense changes on protein structure and function all suggest that this variant is likely to be disruptive. The variant was absent in 251488 control chromosomes (gnomAD). The available data on variant occurrences in the general population are insufficient to allow any conclusion about variant significance. To our knowledge, no occurrence of c.1340G>T in individuals affected with TPP1-related conditions and no experimental evidence demonstrating its impact on protein function have been reported. A different variant affecting the same codon has been classified as pathogenic by our lab (c.1340G>A, p.Arg447His), supporting the critical relevance of codon 447 to TPP1 protein function. No submitters have cited clinical-significance assessments for this variant to ClinVar. Based on the evidence outlined above, the variant was classified as uncertain significance.